The following is an entry in ClinVar:

ClinVar aggregate classification (germline): Uncertain significance (1 of 4 stars; one submission).

Allele frequency attached by ClinVar (database versions not stated): gnomAD exomes below 0.00001.
gnomAD v4.1: 1 of 1,613,968 alleles (0.000062%); highest among the groups gnomAD compares: Non-Finnish European, 0.000085%; no homozygotes.

Submission:

Labcorp Genetics (formerly Invitae), Labcorp
Classification: Uncertain significance. Last evaluated: 2025-06-24. Review status: criteria provided, single submitter. Criteria: Invitae Variant Classification Sherloc (09022015). Collection method: clinical testing. Allele origin: germline.
Comment: This sequence change replaces alanine, which is neutral and non-polar, with valine, which is neutral and non-polar, at codon 795 of the MYLK3 protein (p.Ala795Val). This variant is not present in population databases (gnomAD no frequency). This variant has not been reported in the literature in individuals affected with MYLK3-related conditions. ClinVar contains an entry for this variant (Variation ID: 2096276). An algorithm developed to predict the effect of missense changes on protein structure and function (PolyPhen-2) suggests that this variant is likely to be disruptive. In summary, the available evidence is currently insufficient to determine the role of this variant in disease. Therefore, it has been classified as a Variant of Uncertain Significance.

NM_182493.3(MYLK3):c.2384C>T (p.Ala795Val)

Gene: MYLK3 (myosin light chain kinase 3; minus strand). Cytogenetic location: 16q11.2.
Variant type: single nucleotide variant.
Coding change: c.2384C>T on transcript NM_182493.3 (MANE Select); coding-DNA position 2384, C replaced by T.
Protein change: p.Ala795Val; replaces alanine 795 with valine.
Molecular consequence: missense variant.
Genome position (GRCh38, 1-based): chr16:46,709,555, G>A on the plus strand (C>T on the coding strand, the complement: MYLK3 is on the minus strand). VCF-style: chr16-46709555-G-A. GRCh37 (hg19) VCF-style: chr16-46743467-G-A.
Other names: c.1361C>T, p.Ala454Val (NM_001308301.1); short protein forms A454V, A795V.
Identifiers: ClinVar variation 2096276 (VCV002096276.4), dbSNP rs2548897658, ClinGen allele CA395785595.